The following is an entry in ClinVar:

ClinVar aggregate classification (germline): Likely pathogenic (1 of 4 stars; one submission).

Allele frequency attached by ClinVar (database versions not stated): gnomAD exomes 0.00001.

Submission:

GeneDx
Classification: Likely pathogenic. Last evaluated: 2023-04-14. Review status: criteria provided, single submitter. Criteria: GeneDx Variant Classification Process June 2021. Collection method: clinical testing. Allele origin: germline. Affected: yes.
Comment: Frameshift variant predicted to result in protein truncation or nonsense mediated decay in a gene for which loss of function is a known mechanism of disease; Not observed at significant frequency in large population cohorts (gnomAD); Has not been previously published as pathogenic or benign to our knowledge

NM_024027.5(COLEC11):c.241del (p.Arg81fs)

Gene: COLEC11 (collectin subfamily member 11; plus strand). Cytogenetic location: 2p25.3.
Variant type: Deletion.
Coding change: c.241del on transcript NM_024027.5 (MANE Select); coding-DNA position 241, one base deleted (C; older notation c.241delC).
Protein change: p.Arg81fs; shifts the reading frame from arginine 81.
Molecular consequence: frameshift variant. On other transcripts: non-coding transcript variant (1), intron variant (4).
Genome position (GRCh38, 1-based): chr2:3,637,571, C deleted. VCF-style (leftmost placement, unchanged base first): chr2-3637570-TC-T. GRCh37 (hg19) VCF-style: chr2-3685160-TC-T.
Other names: c.169del, p.Arg57fs (NM_001255982.2); c.283del, p.Arg95fs (NM_001255985.1); c.163del, p.Arg55fs (NM_001255986.1); c.91del, p.Arg31fs (NM_001255987.1); c.241delC, p.Arg81Valfs (NM_024027.4); c.232del, p.Arg78fs (NM_199235.3); c.203-2707del (NM_001255983.2); c.131-2707del (NM_001255984.2); and 2 more; short protein forms R31fs, R55fs, R57fs, R78fs, R81fs, R95fs.
Identifiers: ClinVar variation 2499839 (VCV002499839.1), dbSNP rs1558517363, ClinGen allele CA530474271.